The following is an entry in ClinVar:

ClinVar aggregate classification (germline): Likely benign (1 of 4 stars; one submission).

Conditions:
PLEC-related disorder. Also called: PLEC-related condition; PLEC-related disorders.

gnomAD v4.1: 12 of 1,612,808 alleles (0.00074%); highest among the groups gnomAD compares: East Asian, 0.025%; no homozygotes.

Submission:

PreventionGenetics, part of Exact Sciences
Classification: Likely benign for PLEC-related condition. Last evaluated: 2025-12-30. Review status: criteria provided, single submitter. Criteria: ACMG Guidelines, 2015. Collection method: clinical testing. Allele origin: germline.
Comment: This variant is classified as likely benign based on ACMG/AMP sequence variant interpretation guidelines (Richards et al. 2015 PMID: 25741868, with internal and published modifications).

NM_201384.3(PLEC):c.8286G>A (p.Glu2762=)

Gene: PLEC (plectin; minus strand). Cytogenetic location: 8q24.3.
Variant type: single nucleotide variant.
Coding change: c.8286G>A on transcript NM_201384.3 (MANE Select); coding-DNA position 8286, G replaced by A.
Protein change: p.Glu2762=; no amino-acid change (glutamic acid 2762 retained).
Molecular consequence: synonymous variant.
Genome position (GRCh38, 1-based): chr8:143,921,535, C>T on the plus strand (G>A on the coding strand, the complement: PLEC is on the minus strand). VCF-style: chr8-143921535-C-T. GRCh37 (hg19) VCF-style: chr8-144995703-C-T.
Other names: c.8367G>A, p.Glu2789= (NM_000445.5); c.4986G>A, p.Glu1662= (NM_001410941.1); c.8244G>A, p.Glu2748= (NM_201378.4); c.8220G>A, p.Glu2740= (NM_201379.3); c.8697G>A, p.Glu2899= (NM_201380.4); c.8190G>A, p.Glu2730= (NM_201381.3); c.8286G>A, p.Glu2762= (NM_201382.4); c.8298G>A, p.Glu2766= (NM_201383.3).
Identifiers: ClinVar variation 4984511 (VCV004984511.1).
Genomic context (GRCh38, chr8:143,921,535, plus strand): 5'-AGTGTAGGGGTCCTTGTAGCCAGTGACGGCGCGCTCGGCCGACAGCAGCTTGTGGTGCAG[C>T]TCGGGGCCCACCACACCCTCCTTCACAGCCTCGTTGACGGTCAGCCGCCGGTTCCGCACA-3'
Protein context (NP_958786.1, residues 2752-2772): EAVKEGVVGP[Glu2762=]LHHKLLSAER